The following is an entry in ClinVar:

ClinVar aggregate classification (germline): Uncertain significance (1 of 4 stars; one submission).

Conditions:
Inborn genetic diseases. Identifiers: MedGen C0950123, MeSH D030342.

gnomAD v4.1: 1 of 1,614,012 alleles (0.000062%); no homozygotes.

Submission:

Ambry Genetics
Classification: Uncertain significance for Inborn genetic diseases. Last evaluated: 2024-12-14. Review status: criteria provided, single submitter. Criteria: Ambry Variant Classification Scheme 2023. Collection method: clinical testing. Allele origin: germline.
Comment: The p.K153R variant (also known as c.458A>G), located in coding exon 1 of the SAMD9L gene, results from an A to G substitution at nucleotide position 458. The lysine at codon 153 is replaced by arginine, an amino acid with highly similar properties. This amino acid position is conserved. In addition, this alteration is predicted to be tolerated by in silico analysis. Based on the available evidence, the clinical significance of this variant remains unclear.

NM_152703.5(SAMD9L):c.458A>G (p.Lys153Arg)

Gene: SAMD9L (sterile alpha motif domain containing 9 like; minus strand). Cytogenetic location: 7q21.2.
Variant type: single nucleotide variant.
Coding change: c.458A>G on transcript NM_152703.5 (MANE Select); coding-DNA position 458, A replaced by G.
Protein change: p.Lys153Arg; replaces lysine 153 with arginine.
Molecular consequence: missense variant.
Genome position (GRCh38, 1-based): chr7:93,135,514, T>C on the plus strand (A>G on the coding strand, the complement: SAMD9L is on the minus strand). VCF-style: chr7-93135514-T-C. GRCh37 (hg19) VCF-style: chr7-92764827-T-C.
Other names: c.458A>G, p.Lys153Arg (NM_001303496.3, NM_001303497.3, NM_001303498.3 and 5 more transcripts); short protein forms K153R.
Identifiers: ClinVar variation 3792193 (VCV003792193.1).
Genomic context (GRCh38, chr7:93,135,514, plus strand): 5'-TCATGGAACTGATCAAAAGGATATGGCATACAAGTCAATTGTTCAGGTTTTAGCTTACCC[T>C]TTTTCTTGTGTTTAGCATTTGCTACTTCATCTAACACATTTTCTTTCATAAGAATTGATT-3'
Protein context (NP_689916.2, residues 143-163): DEVANAKHKK[Lys153Arg]GKLKPEQLTC